The following is an entry in ClinVar:

NM_001035.3(RYR2):c.1574C>G (p.Ser525Cys)

Gene: RYR2 (ryanodine receptor 2; plus strand). Cytogenetic location: 1q43.
Variant type: single nucleotide variant.
Coding change: c.1574C>G on transcript NM_001035.3 (MANE Select); coding-DNA position 1574, C replaced by G.
Protein change: p.Ser525Cys; replaces serine 525 with cysteine.
Molecular consequence: missense variant.
Genome position (GRCh38, 1-based): chr1:237,456,697, C>G. VCF-style: chr1-237456697-C-G. GRCh37 (hg19) VCF-style: chr1-237619997-C-G.
Other names: c.1574C>G, p.Ser525Cys (LRG_402t1); short protein forms S525C.
Identifiers: ClinVar variation 644440 (VCV000644440.16), dbSNP rs776188922, ClinGen allele CA085818.
Genomic context (GRCh38, chr1:237,456,697, plus strand): 5'-TGCACGTCTACAGCAGTGCAGCACACTTTGCTGATGTTGCTGGGCGAGAAGCAGGAGAGT[C>G]TTGGAAATCCATTCTGAATTCTCTGTATGAGTTGCTGGGTAAGAAGCATGATTGGGTTCA-3'
Protein context (NP_001026.2, residues 515-535): ADVAGREAGE[Ser525Cys]WKSILNSLYE

ClinVar aggregate classification (germline): Conflicting classifications of pathogenicity. Review status: criteria provided, conflicting classifications (1 of 4 stars). 5 submissions from 5 submitters: Uncertain significance (2); Likely benign (1). 2 of the submissions do not count toward it. Last evaluated 2025-11-23.

Conditions:
Cardiovascular phenotype. Identifiers: MedGen CN230736.
Cardiomyopathy (CMYO). Also called: Cardiomyopathies. Identifiers: Orphanet 167848, MedGen C0878544, MONDO:0004994, HP:0001638. Inheritance: Various modes of inheritance.
Catecholaminergic polymorphic ventricular tachycardia 1. Also called: RYR2-Related Catecholaminergic Polymorphic Ventricular Tachycardia; VENTRICULAR TACHYCARDIA, STRESS-INDUCED POLYMORPHIC 1; VENTRICULAR TACHYCARDIA, CATECHOLAMINERGIC POLYMORPHIC, 1, WITH OR WITHOUT ATRIAL DYSFUNCTION AND/OR DILATED CARDIOMYOPATHY. Identifiers: Orphanet 3286, MedGen C1631597, MONDO:0011484, OMIM 604772.

Allele frequency attached by ClinVar (database versions not stated): gnomAD exomes below 0.00001 and 0.00001; ExAC 0.00001; TOPMed 0.00001; gnomAD 0.00004.
gnomAD v4.1: 11 of 1,613,356 alleles (0.00068%); highest among the groups gnomAD compares: Middle Eastern, 0.049%; no homozygotes.

Submissions (5):

Labcorp Genetics (formerly Invitae), Labcorp
Classification: Likely benign for Catecholaminergic polymorphic ventricular tachycardia 1. Last evaluated: 2025-11-23. Review status: criteria provided, single submitter. Criteria: Invitae Variant Classification Sherloc (09022015). Collection method: clinical testing. Allele origin: germline.

Color Diagnostics, LLC DBA Color Health
Classification: Uncertain significance for Cardiomyopathy. Last evaluated: 2024-02-13. Review status: criteria provided, single submitter. Criteria: ACMG Guidelines, 2015. Collection method: clinical testing. Allele origin: germline.
Comment: This missense variant replaces serine with cysteine at codon 525 of the RYR2 protein. Computational prediction suggests that this variant may not impact protein structure and function (internally defined REVEL score threshold <= 0.5, PMID: 27666373). To our knowledge, functional studies have not been reported for this variant. This variant has not been reported in individuals affected with RYR2-related disorders in the literature. This variant has been identified in 4/280078 chromosomes in the general population by the Genome Aggregation Database (gnomAD). The available evidence is insufficient to determine the role of this variant in disease conclusively. Therefore, this variant is classified as a Variant of Uncertain Significance.

Ambry Genetics
Classification: Uncertain significance for Cardiovascular phenotype. Last evaluated: 2023-05-22. Review status: criteria provided, single submitter. Criteria: Ambry Variant Classification Scheme 2023. Collection method: clinical testing. Allele origin: germline.
Comment: The p.S525C variant (also known as c.1574C>G), located in coding exon 16 of the RYR2 gene, results from a C to G substitution at nucleotide position 1574. The serine at codon 525 is replaced by cysteine, an amino acid with dissimilar properties. This variant was detected in an arrhythmia genetic testing cohort; however, clinical details were limited, and additional cardiac variants were detected in some cases (van Lint FHM et al. Neth Heart J, 2019 Jun;27:304-309). This amino acid position is not well conserved in available vertebrate species. In addition, the in silico prediction for this alteration is inconclusive. Since supporting evidence is limited at this time, the clinical significance of this alteration remains unclear.

Clinical Genetics, Academic Medical Center
Classification: Uncertain significance. Review status: no assertion criteria provided. Collection method: clinical testing. Allele origin: germline. Affected: yes. Study: VKGL Data-share Consensus. Not counted in ClinVar's aggregate classification.

Diagnostic Laboratory, Department of Genetics, University Medical Center Groningen
Classification: Uncertain significance. Review status: no assertion criteria provided. Collection method: clinical testing. Allele origin: germline. Affected: yes. Study: VKGL Data-share Consensus. Not counted in ClinVar's aggregate classification.

Literature cited by the submitters: PubMed 30847666 (cited by Ambry Genetics).